The following is an entry in ClinVar:

NM_005918.4(MDH2):c.522C>T (p.Ile174=)

Gene: MDH2 (malate dehydrogenase 2; plus strand). Cytogenetic location: 7q11.23.
Variant type: single nucleotide variant.
Coding change: c.522C>T on transcript NM_005918.4 (MANE Select); coding-DNA position 522, C replaced by T.
Protein change: p.Ile174=; no amino-acid change (isoleucine 174 retained).
Molecular consequence: synonymous variant. On other transcripts: intron variant (1).
Genome position (GRCh38, 1-based): chr7:76,060,465, C>T. VCF-style: chr7-76060465-C-T. GRCh37 (hg19) VCF-style: chr7-75689783-C-T.
Other names: c.201C>T, p.Ile67= (NM_001282404.2); c.429+2387C>T (NM_001282403.2).
Identifiers: ClinVar variation 1535758 (VCV001535758.12), dbSNP rs782299457, ClinGen allele CA4305569.

ClinVar aggregate classification (germline): Likely benign. Review status: criteria provided, multiple submitters, no conflicts (2 of 4 stars). 3 submissions from 3 submitters: Likely benign (3). Last evaluated 2026-05-01.

Conditions:
Inborn genetic diseases. Identifiers: MedGen C0950123, MeSH D030342.

Allele frequency attached by ClinVar (database versions not stated): gnomAD exomes below 0.00001 and 0.00001; gnomAD 0.00001; ExAC 0.00002; TOPMed 0.00004.
gnomAD v4.1: 9 of 1,614,020 alleles (0.00056%); highest among the groups gnomAD compares: Middle Eastern, 0.016%; no homozygotes.

Submissions (3):

CeGaT Center for Human Genetics Tuebingen
Classification: Likely benign. Last evaluated: 2026-05-01. Review status: criteria provided, single submitter. Criteria: CeGaT Center For Human Genetics Tuebingen Variant Classification Criteria Version 2. Collection method: clinical testing. Allele origin: germline. Affected: yes. Observed: 1 variant allele.
Comment: MDH2: BP4, BP7

Ambry Genetics
Classification: Likely benign for Inborn genetic diseases. Last evaluated: 2022-05-09. Review status: criteria provided, single submitter. Criteria: Ambry Variant Classification Scheme 2023. Collection method: clinical testing. Allele origin: germline.

Labcorp Genetics (formerly Invitae), Labcorp
Classification: Likely benign. Last evaluated: 2021-07-03. Review status: criteria provided, single submitter. Criteria: Invitae Variant Classification Sherloc (09022015). Collection method: clinical testing. Allele origin: germline.